The following is an entry in ClinVar:

ClinVar aggregate classification (germline): Uncertain significance (1 of 4 stars; one submission).

Allele frequency attached by ClinVar (database versions not stated): TOPMed below 0.00001; gnomAD 0.00001.
gnomAD v4.1: 1 of 1,591,332 alleles (0.000063%); highest among the groups gnomAD compares: African/African-American, 0.0013%; no homozygotes.

Submission:

Labcorp Genetics (formerly Invitae), Labcorp
Classification: Uncertain significance. Last evaluated: 2025-09-15. Review status: criteria provided, single submitter. Criteria: Invitae Variant Classification Sherloc (09022015). Collection method: clinical testing. Allele origin: germline.
Comment: This sequence change replaces serine, which is neutral and polar, with glycine, which is neutral and non-polar, at codon 925 of the CACNA2D4 protein (p.Ser925Gly). This variant is not present in population databases (gnomAD no frequency). This variant has not been reported in the literature in individuals affected with CACNA2D4-related conditions. ClinVar contains an entry for this variant (Variation ID: 1059601). An algorithm developed to predict the effect of missense changes on protein structure and function outputs the following: PolyPhen-2: "Benign". The glycine amino acid residue is found in multiple mammalian species, which suggests that this missense change does not adversely affect protein function. In summary, the available evidence is currently insufficient to determine the role of this variant in disease. Therefore, it has been classified as a Variant of Uncertain Significance.

NM_172364.5(CACNA2D4):c.2773A>G (p.Ser925Gly)

Gene: CACNA2D4 (calcium voltage-gated channel auxiliary subunit alpha2delta 4; minus strand). Cytogenetic location: 12p13.33.
Variant type: single nucleotide variant.
Coding change: c.2773A>G on transcript NM_172364.5 (MANE Select); coding-DNA position 2773, A replaced by G.
Protein change: p.Ser925Gly; replaces serine 925 with glycine.
Molecular consequence: missense variant.
Genome position (GRCh38, 1-based): chr12:1,801,593, T>C on the plus strand (A>G on the coding strand, the complement: CACNA2D4 is on the minus strand). VCF-style: chr12-1801593-T-C. GRCh37 (hg19) VCF-style: chr12-1910759-T-C.
Other names: short protein forms S925G.
Identifiers: ClinVar variation 1059601 (VCV001059601.9), dbSNP rs1863330992, ClinGen allele CA383349322.